The following is an entry in ClinVar:

NM_003742.4(ABCB11):c.3006T>G (p.Tyr1002Ter)

Gene: ABCB11 (ATP binding cassette subfamily B member 11; minus strand). Cytogenetic location: 2q31.1.
Variant type: single nucleotide variant.
Coding change: c.3006T>G on transcript NM_003742.4 (MANE Select); coding-DNA position 3006, T replaced by G.
Protein change: p.Tyr1002Ter; replaces tyrosine 1002 with a stop codon.
Molecular consequence: nonsense.
Genome position (GRCh38, 1-based): chr2:168,935,234, A>C on the plus strand (T>G on the coding strand, the complement: ABCB11 is on the minus strand). VCF-style: chr2-168935234-A-C. GRCh37 (hg19) VCF-style: chr2-169791744-A-C.
Other names: short protein forms Y1002*.
Identifiers: ClinVar variation 3391259 (VCV003391259.1).

ClinVar aggregate classification (germline): Likely pathogenic (1 of 4 stars; one submission).

Conditions:
Progressive familial intrahepatic cholestasis type 2. Identifiers: Orphanet 79304, MedGen C3489789, MONDO:0011156, OMIM 601847.

Submission:

Neuberg Centre For Genomic Medicine, NCGM
Classification: Likely pathogenic for Progressive familial intrahepatic cholestasis type 2. Last evaluated: 2023-07-22. Review status: criteria provided, single submitter. Criteria: ACMG Guidelines, 2015. Collection method: clinical testing. Allele origin: germline. Inheritance: Autosomal recessive inheritance. Affected: yes.
Comment: The observed stop gained c.3006T>Gp.Tyr1002Ter variant in ABCB11 gene has not been reported previously as a pathogenic variant nor as a benign variant, to our knowledge. This variant is absent in gnomAD Exomes. This variant is predicted to cause loss of normal protein function either through protein truncation or nonsense-mediated mRNA decay. Loss of function variants have been previously reported to be disease causing. Computational evidence MutationTaster - Disease causing automatic predicts damaging effect on protein structure and function for this variant. For these reasons, this variant has been classified as Likely Pathogenic.